The following is an entry in ClinVar:

NM_001005373.4(LRSAM1):c.620-7_620-6del

Gene: LRSAM1 (leucine rich repeat and sterile alpha motif containing 1; plus strand). Cytogenetic location: 9q33.3.
Variant type: Microsatellite.
Coding change: c.620-7_620-6del on transcript NM_001005373.4 (MANE Select); 7 bases into the intron before coding-DNA position 620 through 6 bases into the intron before coding-DNA position 620, 2 bases deleted (CT; older notation c.620-7_620-6delCT).
Molecular consequence: intron variant.
Genome position (GRCh38, 1-based): chr9:127,473,794-127,473,795, CT deleted; deleting any 2 consecutive bases within chr9:127,473,791-127,473,795 gives the same sequence; the c. name uses the placement nearest the transcript's 3' end. VCF-style (leftmost placement, unchanged base first): chr9-127473790-GTC-G. GRCh37 (hg19) VCF-style: chr9-130236069-GTC-G.
Other names: c.620-7_620-6del (NM_138361.5, NM_001384142.1, NM_001384143.1 and 2 more transcripts); c.-165-7_-165-6del (NM_001384144.1).
Identifiers: ClinVar variation 1409484 (VCV001409484.10), dbSNP rs1468536961, ClinGen allele CA590591307.

ClinVar aggregate classification (germline): Uncertain significance. Review status: criteria provided, multiple submitters, no conflicts (2 of 4 stars). 2 submissions from 2 submitters: Uncertain significance (2). Last evaluated 2024-02-16.

Conditions:
Inborn genetic diseases. Identifiers: MedGen C0950123, MeSH D030342.
Charcot-Marie-Tooth disease axonal type 2P. Also called: CHARCOT-MARIE-TOOTH NEUROPATHY, TYPE 2P; CHARCOT-MARIE-TOOTH DISEASE, AXONAL, TYPE 2G; CMT 2G; Charcot-Marie-Tooth Neuropathy Type 2G. Identifiers: Orphanet 300319, Orphanet 99941, MedGen C3280797, MONDO:0013753, OMIM 614436.

Submissions (2):

Labcorp Genetics (formerly Invitae), Labcorp
Classification: Uncertain significance for Charcot-Marie-Tooth disease axonal type 2P. Last evaluated: 2024-02-16. Review status: criteria provided, single submitter. Criteria: Invitae Variant Classification Sherloc (09022015). Collection method: clinical testing. Allele origin: germline.
Comment: This sequence change falls in intron 9 of the LRSAM1 gene. It does not directly change the encoded amino acid sequence of the LRSAM1 protein. This variant is present in population databases (no rsID available, gnomAD 0.003%). This variant has not been reported in the literature in individuals affected with LRSAM1-related conditions. ClinVar contains an entry for this variant (Variation ID: 1409484). Algorithms developed to predict the effect of sequence changes on RNA splicing suggest that this variant may create or strengthen a splice site. In summary, the available evidence is currently insufficient to determine the role of this variant in disease. Therefore, it has been classified as a Variant of Uncertain Significance.

Ambry Genetics
Classification: Uncertain significance for Inborn genetic diseases. Last evaluated: 2021-03-23. Review status: criteria provided, single submitter. Criteria: Ambry Variant Classification Scheme 2023. Collection method: clinical testing. Allele origin: germline.
Comment: The c.620-7_620-6delCT intronic variant is located six nucleotides upstream from coding exon 9 in the LRSAM1 gene. This variant results from a deletion of two nucleotides at positions c.620-7 to c.620-6. This nucleotide region is not well conserved in available vertebrate species. In silico splice site analysis for this alteration is inconclusive. Since supporting evidence is limited at this time, the clinical significance of this alteration remains unclear.